The following is an entry in ClinVar:

NM_032119.4(ADGRV1):c.17402G>A (p.Ser5801Asn)

Gene: ADGRV1 (adhesion G protein-coupled receptor V1; plus strand). Cytogenetic location: 5q14.3.
Variant type: single nucleotide variant.
Coding change: c.17402G>A on transcript NM_032119.4 (MANE Select); coding-DNA position 17402, G replaced by A.
Protein change: p.Ser5801Asn; replaces serine 5801 with asparagine.
Molecular consequence: missense variant. On other transcripts: non-coding transcript variant (1).
Genome position (GRCh38, 1-based): chr5:90,853,481, G>A. VCF-style: chr5-90853481-G-A. GRCh37 (hg19) VCF-style: chr5-90149298-G-A.
Other names: short protein forms S5801N.
Identifiers: ClinVar variation 800751 (VCV000800751.5), dbSNP rs749894314, ClinGen allele CA3342359.

ClinVar aggregate classification (germline): Uncertain significance. Review status: criteria provided, multiple submitters, no conflicts (2 of 4 stars). 3 submissions from 3 submitters: Uncertain significance (2). 1 of the submissions does not count toward it. Last evaluated 2022-10-25.

Conditions:
Usher syndrome type 2C. Also called: Usher syndrome, type 2B; USHER SYNDROME, TYPE IIC. Identifiers: Orphanet 231178, Orphanet 886, MedGen C2931213, MONDO:0011558, OMIM 605472.

Allele frequency attached by ClinVar (database versions not stated): gnomAD exomes below 0.00001; ExAC 0.00001.

Submissions (3):

Labcorp Genetics (formerly Invitae), Labcorp
Classification: Uncertain significance. Last evaluated: 2022-10-25. Review status: criteria provided, single submitter. Criteria: Invitae Variant Classification Sherloc (09022015). Collection method: clinical testing. Allele origin: germline.
Comment: This sequence change replaces serine, which is neutral and polar, with asparagine, which is neutral and polar, at codon 5801 of the ADGRV1 protein (p.Ser5801Asn). The frequency data for this variant in the population databases is considered unreliable, as metrics indicate poor data quality at this position in the gnomAD database. This variant has not been reported in the literature in individuals affected with ADGRV1-related conditions. ClinVar contains an entry for this variant (Variation ID: 800751). Advanced modeling of protein sequence and biophysical properties (such as structural, functional, and spatial information, amino acid conservation, physicochemical variation, residue mobility, and thermodynamic stability) performed at Invitae indicates that this missense variant is not expected to disrupt ADGRV1 protein function. In summary, the available evidence is currently insufficient to determine the role of this variant in disease. Therefore, it has been classified as a Variant of Uncertain Significance.

GeneDx
Classification: Uncertain significance. Last evaluated: 2022-01-11. Review status: criteria provided, single submitter. Criteria: GeneDx Variant Classification Process June 2021. Collection method: clinical testing. Allele origin: germline. Affected: yes.
Comment: Not observed at significant frequency in large population cohorts (gnomAD); In silico analysis supports that this missense variant does not alter protein structure/function; Has not been previously published as pathogenic or benign to our knowledge

Biochemical Molecular Genetic Laboratory, King Abdulaziz Medical City
Classification: Uncertain significance for Usher syndrome type 2C. Last evaluated: 2019-01-29. Review status: no assertion criteria provided. Collection method: clinical testing. Allele origin: germline. Affected: yes. Not counted in ClinVar's aggregate classification.